The following is an entry in ClinVar:

NM_001005242.3(PKP2):c.1881del (p.Lys628fs)

Gene: PKP2 (plakophilin 2; minus strand). Cytogenetic location: 12p11.21.
Variant type: Deletion.
Coding change: c.1881del on transcript NM_001005242.3 (MANE Select); coding-DNA position 1881, one base deleted (C; older notation c.1881delC).
Protein change: p.Lys628fs; shifts the reading frame from lysine 628.
Molecular consequence: frameshift variant.
Genome position (GRCh38, 1-based): chr12:32,821,488, G deleted on the plus strand (C on the coding strand, the reverse complement: PKP2 is on the minus strand); the first of 4 consecutive G bases (chr12:32,821,488-32,821,491); deleting any one gives the same sequence. VCF-style (leftmost placement, unchanged base first): chr12-32821487-TG-T. GRCh37 (hg19) VCF-style: chr12-32974421-TG-T.
Other names: c.2013delC (NM_004572.4, NM_004572.3); c.2013del, p.Lys672fs (NM_004572.4); short protein forms K628fs, K672fs.
Identifiers: ClinVar variation 202022 (VCV000202022.20), dbSNP rs764817683, ClinGen allele CA011637.

ClinVar aggregate classification (germline): Pathogenic. Review status: criteria provided, multiple submitters, no conflicts (2 of 4 stars). 7 submissions from 7 submitters: Pathogenic (7). Last evaluated 2025-11-25.

Conditions:
Cardiovascular phenotype. Identifiers: MedGen CN230736.
Familial isolated arrhythmogenic right ventricular dysplasia. Identifiers: Orphanet 217656, MedGen C4274968, MONDO:0016342.
Cardiomyopathy (CMYO). Also called: Cardiomyopathies. Identifiers: Orphanet 167848, MedGen C0878544, MONDO:0004994, HP:0001638. Inheritance: Various modes of inheritance.
Arrhythmogenic right ventricular cardiomyopathy (ARVD). Also called: Arrhythmogenic cardiomyopathy; Arrhythmogenic Right Ventricular Cardiomyopathy (ARVC); Cardiomyopathy, ARVC; Arrhythmogenic right ventricular dysplasia. Identifiers: Orphanet 247, MedGen C0349788, MeSH D019571, MONDO:0016587. Disease mechanism: loss of function. Inheritance: Various modes of inheritance.
Arrhythmogenic right ventricular dysplasia 9 (ARVD9). Also called: Arrhythmogenic Right Ventricular Dysplasia/Cardiomyopathy 9; ARRHYTHMOGENIC RIGHT VENTRICULAR DYSPLASIA, FAMILIAL, 9. Identifiers: MedGen C1836906, MONDO:0012180, OMIM 609040.

Submissions (7):

Ambry Genetics
Classification: Pathogenic for Cardiovascular phenotype. Last evaluated: 2025-11-25. Review status: criteria provided, single submitter. Criteria: Ambry Variant Classification Scheme 2023. Collection method: clinical testing. Allele origin: germline.
Comment: The c.2013delC (p.K672Rfs*12) alteration, located in exon 10 (coding exon 10) of the PKP2 gene, consists of a deletion of one nucleotide at position 2013, causing a translational frameshift with a predicted alternate stop codon after 12 amino acids. This alteration is expected to result in loss of function by premature protein truncation or nonsense-mediated mRNA decay. Based on data from gnomAD, this allele has an overall frequency of 0.001% (2/251350) total alleles studied. The highest observed frequency was 0.002% (2/113656) of European (non-Finnish) alleles. This variant was reported in individual(s) with features consistent with PKP2-related arrhythmogenic right ventricular cardiomyopathy (den Haan, 2009; Rigato, 2013; K&ouml;nig, 2017; Caiazzo, 2024; Ambry internal data). Based on the available evidence, this alteration is classified as pathogenic.

Labcorp Genetics (formerly Invitae), Labcorp
Classification: Pathogenic for Arrhythmogenic right ventricular dysplasia 9. Last evaluated: 2025-05-16. Review status: criteria provided, single submitter. Criteria: Invitae Variant Classification Sherloc (09022015). Collection method: clinical testing. Allele origin: germline.
Comment: This sequence change creates a premature translational stop signal (p.Lys672Argfs*12) in the PKP2 gene. It is expected to result in an absent or disrupted protein product. Loss-of-function variants in PKP2 are known to be pathogenic (PMID: 15489853, 17041889, 23911551). This variant is present in population databases (rs764817683, gnomAD 0.002%). This premature translational stop signal has been observed in individuals with arrhythmogenic right ventricular cardiomyopathy (PMID: 16549640, 17010805, 24070718, 24585727, 29221435). It has also been observed to segregate with disease in related individuals. This variant is also known as 2011delC (p.671fsX683) and c.2009delC (p.K672RfsX12). ClinVar contains an entry for this variant (Variation ID: 202022). For these reasons, this variant has been classified as Pathogenic.

Women's Health and Genetics/Laboratory Corporation of America, LabCorp
Classification: Pathogenic for Familial isolated arrhythmogenic right ventricular dysplasia. Last evaluated: 2025-03-05. Review status: criteria provided, single submitter. Criteria: LabCorp Variant Classification Summary - May 2015. Collection method: clinical testing. Allele origin: germline.
Comment: Variant summary: PKP2 c.2013delC (p.Lys672ArgfsX12) results in a premature termination codon, predicted to cause a truncation of the encoded protein or absence of the protein due to nonsense mediated decay, which are commonly known mechanisms for disease. The variant allele was found at a frequency of 8e-06 in 251350 control chromosomes. c.2013delC has been reported in the literature in multiple individuals affected with Arrhythmogenic Right Ventricular Dysplasia/Cardiomyopathy. These data indicate that the variant is very likely to be associated with disease. At least one publication reports experimental evidence evaluating an impact on protein function. The most pronounced variant effect results in <10% of normal activity. The following publications have been ascertained in the context of this evaluation (PMID: 17010805, 24768880, 29221435, 21723241, 23354045, 25971409). ClinVar contains an entry for this variant (Variation ID: 202022). Based on the evidence outlined above, the variant was classified as pathogenic.

All of Us Research Program, National Institutes of Health
Classification: Pathogenic for Arrhythmogenic right ventricular cardiomyopathy. Last evaluated: 2024-08-13. Review status: criteria provided, single submitter. Criteria: ACMG Guidelines, 2015. Collection method: clinical testing. Allele origin: germline. Inheritance: Autosomal dominant inheritance. Observed: 1 variant allele, 1 heterozygote.
Comment: This variant deletes 1 nucleotide in exon 10 of the PKP2 gene, creating a frameshift and premature translation stop signal. This variant is expected to result in an absent or non-functional protein product. Computational splicing tools suggest that this variant may not impact RNA splicing. To our knowledge, functional assays have not been performed for this variant. This variant has been reported in multiple individuals affected with arrhythmogenic right ventricular cardiomyopathy (PMID: 23354045, 24967631, 25971409, 26590176). This variant has been identified in 2/251350 chromosomes in the general population by the Genome Aggregation Database (gnomAD). Loss of PKP2 function is a known mechanism of disease. Based on available evidence, this variant is classified as Pathogenic.

This study involves interpretation of variants in research participants for the purpose of population health screening. Participant phenotype was not available at the time of variant classification. Additional details can be found in publication PMID: 35346344, PMCID: PMC8962531

Color Diagnostics, LLC DBA Color Health
Classification: Pathogenic for Cardiomyopathy. Last evaluated: 2024-06-26. Review status: criteria provided, single submitter. Criteria: ACMG Guidelines, 2015. Collection method: clinical testing. Allele origin: germline.
Comment: This variant deletes 1 nucleotide in exon 10 of the PKP2 gene, creating a frameshift and premature translation stop signal. This variant is expected to result in an absent or non-functional protein product. This variant has been reported in at least 8 individuals affected with arrhythmogenic cardiomyopathy (PMID: 23354045, 24967631, 25971409, 26590176, 32268277, 36008935), and in an individual affected with idiopathic atrioventricular conduction disease (PMID: 36352534). This variant has been identified in 2/251350 chromosomes in the general population by the Genome Aggregation Database (gnomAD). Loss of PKP2 function is a known mechanism of disease. Based on the available evidence, this variant is classified as Pathogenic.

GeneDx
Classification: Pathogenic. Last evaluated: 2023-07-13. Review status: criteria provided, single submitter. Criteria: GeneDx Variant Classification Process June 2021. Collection method: clinical testing. Allele origin: germline. Affected: yes.
Comment: Frameshift variant predicted to result in protein truncation or nonsense mediated decay in a gene for which loss-of-function is a known mechanism of disease; Published functional studies using patient derived cells demonstrated abnormal nuclear translocation of junction plakoglobin, suggesting mutant PKP2 transcripts are unstable and degraded to undetectable levels (Kim et al., 2013); Not observed at significant frequency in large population cohorts (gnomAD); This variant is associated with the following publications: (PMID: 26389801, 25344329, 24585727, 23671136, 25815118, 27110425, 24657289, 24576884, 25971409, 24920660, 16549640, 24070718, 24967631, 21723241, 23889974, 19358943, 26590176, 20031617, 23810894, 17010805, 23871885, 20857253, 29221435, 30302938, 30205876, 31533459, 31386562, 31402444, 28097316, 33087929, 35653365, 35536239, 32485643, 23354045)

Laboratory for Molecular Medicine, Mass General Brigham Personalized Medicine
Classification: Pathogenic for Arrhythmogenic right ventricular cardiomyopathy. Last evaluated: 2023-05-22. Review status: criteria provided, single submitter. Criteria: ACMG Guidelines, 2015. Collection method: clinical testing. Allele origin: germline. Inheritance: Autosomal dominant inheritance.
Comment: The p.Lys672ArgfsX12 variant in PKP2 has been reported in at least 6 individuals with arrhythmogenic right ventricular cardiomyopathy (ARVC) and segregated with disease in 7 affected relatives from 3 families (Tan 2010 PMID: 20857253, Philips 2014 PMID: 24585727, Kim 2013 PMID: 23354045, den Haan 2009 PMID: 20031617, Dalal 2006 PMID: 17010805 Dalal 2006 PMID: 16549640, Bauce 2011 PMID: 21723241, Arbustini 2014 PMID: 24768880, Alcalde 2014 PMID: 24967631, Mast 2017 PMID: 28097316, Konig 2017 PMID: 29221435, van Lint 2019 PMID: 31386562). This variant has also been reported by other clinical laboratories in ClinVar (Variation ID 202022) and has been identified in 0.0018% (1/68034) European chromosomes by gnomAD (v.3.1.2). This variant is predicted to cause a frameshift, which alters the protein’s amino acid sequence beginning at position 672 and leads to a premature termination codon 12 amino acids downstream. Heterozygous loss of function of the PKP2 gene is an established disease mechanism in autosomal dominant ARVC. In summary, this variant meets criteria to be classified as pathogenic for autosomal dominant ARVC. ACMG/AMP Criteria applied: PVS1, PS4_moderate, PP1_Strong, PM2_Supporting.

Literature cited by the submitters: PubMed 20031617 (cited by Ambry Genetics and Laboratory for Molecular Medicine, Mass General Brigham Personalized Medicine); PubMed 24070718 (cited by 3 submitters); PubMed 29221435 (cited by 4 submitters); PubMed 38627794 (cited by Ambry Genetics); PubMed 15489853 (cited by Labcorp Genetics (formerly Invitae), Labcorp and Laboratory for Molecular Medicine, Mass General Brigham Personalized Medicine); PubMed 17041889 (cited by Labcorp Genetics (formerly Invitae), Labcorp); PubMed 23911551 (cited by Labcorp Genetics (formerly Invitae), Labcorp and Laboratory for Molecular Medicine, Mass General Brigham Personalized Medicine); PubMed 16549640 (cited by Labcorp Genetics (formerly Invitae), Labcorp and Laboratory for Molecular Medicine, Mass General Brigham Personalized Medicine); PubMed 17010805 (cited by 3 submitters); PubMed 24585727 (cited by Labcorp Genetics (formerly Invitae), Labcorp and Laboratory for Molecular Medicine, Mass General Brigham Personalized Medicine); PubMed 21723241 (cited by Women's Health and Genetics/Laboratory Corporation of America, LabCorp and Laboratory for Molecular Medicine, Mass General Brigham Personalized Medicine); PubMed 23354045 (cited by 4 submitters); PubMed 24768880 (cited by Women's Health and Genetics/Laboratory Corporation of America, LabCorp and Laboratory for Molecular Medicine, Mass General Brigham Personalized Medicine); PubMed 25971409 (cited by 4 submitters); PubMed 24967631 (cited by 3 submitters); PubMed 26590176 (cited by All of Us Research Program, National Institutes of Health and Color Diagnostics, LLC DBA Color Health); PubMed 32268277 (cited by Color Diagnostics, LLC DBA Color Health); PubMed 36008935 (cited by Color Diagnostics, LLC DBA Color Health); PubMed 36352534 (cited by Color Diagnostics, LLC DBA Color Health); PubMed 28097316 (cited by Laboratory for Molecular Medicine, Mass General Brigham Personalized Medicine); PubMed 20857253 (cited by Laboratory for Molecular Medicine, Mass General Brigham Personalized Medicine); PubMed 31386562 (cited by Laboratory for Molecular Medicine, Mass General Brigham Personalized Medicine); PubMed 31402444 (cited by Laboratory for Molecular Medicine, Mass General Brigham Personalized Medicine); PubMed 24576884 (cited by Laboratory for Molecular Medicine, Mass General Brigham Personalized Medicine); PubMed 33087929 (cited by Laboratory for Molecular Medicine, Mass General Brigham Personalized Medicine); PubMed 34550725 (cited by Laboratory for Molecular Medicine, Mass General Brigham Personalized Medicine).